The following is an entry in ClinVar:

NM_000322.5(PRPH2):c.612C>G (p.Tyr204Ter)

Gene: PRPH2 (peripherin 2; minus strand). Cytogenetic location: 6p21.1.
Variant type: single nucleotide variant.
Coding change: c.612C>G on transcript NM_000322.5 (MANE Select); coding-DNA position 612, C replaced by G.
Protein change: p.Tyr204Ter; replaces tyrosine 204 with a stop codon.
Molecular consequence: nonsense.
Genome position (GRCh38, 1-based): chr6:42,704,581, G>C on the plus strand (C>G on the coding strand, the complement: PRPH2 is on the minus strand). VCF-style: chr6-42704581-G-C. GRCh37 (hg19) VCF-style: chr6-42672319-G-C.
Other names: short protein forms Y204*.
Identifiers: ClinVar variation 523772 (VCV000523772.14), dbSNP rs1554269081, ClinGen allele CA364135722.

ClinVar aggregate classification (germline): Pathogenic. Review status: criteria provided, multiple submitters, no conflicts (2 of 4 stars). 6 submissions from 6 submitters: Pathogenic (4). 2 of the submissions do not count toward it. Last evaluated 2025-07-13.

Conditions:
Retinal dystrophy. Also called: Inherited retinal dystrophy. Identifiers: Orphanet 71862, MedGen C0854723, MeSH D058499, MONDO:0019118, HP:0000556.
Retinitis pigmentosa (RP). Identifiers: Orphanet 791, MedGen C0035334, MeSH D012174, MONDO:0019200, OMIM 268000. Inheritance: Autosomal dominant, autosomal recessive and X linked inheritance.
PRPH2-related disorder. Also called: PRPH2-related condition; PRPH2-related disorders. Identifiers: MedGen CN239395.

gnomAD v4.1: 1 of 1,614,160 alleles (0.000062%); highest among the groups gnomAD compares: Non-Finnish European, 0.000085%; no homozygotes.

Submissions (6):

Labcorp Genetics (formerly Invitae), Labcorp
Classification: Pathogenic for PRPH2-related disorder. Last evaluated: 2025-07-13. Review status: criteria provided, single submitter. Criteria: Invitae Variant Classification Sherloc (09022015). Collection method: clinical testing. Allele origin: germline.
Comment: This sequence change creates a premature translational stop signal (p.Tyr204*) in the PRPH2 gene. It is expected to result in an absent or disrupted protein product. Loss-of-function variants in PRPH2 are known to be pathogenic (PMID: 8111389, 8485575, 8485576, 8675410, 16916875, 17504850, 22863181, 25675413, 26061163, 27365499, 29555955, 33546218). This variant is not present in population databases (gnomAD no frequency). This premature translational stop signal has been observed in individual(s) with autosomal dominant inherited retinal disease (PMID: 29555955). ClinVar contains an entry for this variant (Variation ID: 523772). For these reasons, this variant has been classified as Pathogenic.

Blueprint Genetics
Classification: Pathogenic for PRPH2-related disorders. Last evaluated: 2022-11-18. Review status: criteria provided, single submitter. Criteria: ACMG Guidelines, 2015. Collection method: clinical testing. Allele origin: germline. Affected: yes. Observed: 5 variant alleles.

Institute of Human Genetics, Univ. Regensburg, Univ. Regensburg
Classification: Pathogenic for Retinal dystrophy. Last evaluated: 2021-01-01. Review status: criteria provided, single submitter. Criteria: ACMG Guidelines, 2015. Collection method: clinical testing. Allele origin: germline. Affected: yes.

GeneDx
Classification: Pathogenic. Last evaluated: 2017-02-15. Review status: criteria provided, single submitter. Criteria: GeneDx Variant Classification (06012015). Collection method: clinical testing. Allele origin: germline. Affected: yes.
Comment: The Y204X nonsense variant in the PRPH2 gene is predicted to cause loss of normal protein function either through protein truncation or nonsense-mediated mRNA decay. It was not observed in approximately 6,500 individuals of European and African American ancestry in the NHLBI Exome Sequencing Project, indicating it is not a common benign variant in these populations.

Leiden Open Variation Database
Classification: Pathogenic. Last evaluated: 2021-04-06. Review status: no assertion criteria provided. Collection method: curation. Allele origin: germline. Affected: yes. Not counted in ClinVar's aggregate classification.
Comment: Curator: Global Variome, with Curator vacancy. Submitters to LOVD: Global Variome, with Curator vacancy, LOVD, Manon Peeters.

Sharon lab, Hadassah-Hebrew University Medical Center
Classification: Pathogenic for Retinitis pigmentosa. Last evaluated: 2019-06-23. Review status: no assertion criteria provided. Collection method: research. Allele origin: inherited. Affected: yes. Not counted in ClinVar's aggregate classification.

Literature cited by the submitters: PubMed 8111389 (cited by Labcorp Genetics (formerly Invitae), Labcorp); PubMed 8485575 (cited by Labcorp Genetics (formerly Invitae), Labcorp); PubMed 8485576 (cited by Labcorp Genetics (formerly Invitae), Labcorp); PubMed 8675410 (cited by Labcorp Genetics (formerly Invitae), Labcorp); PubMed 16916875 (cited by Labcorp Genetics (formerly Invitae), Labcorp); PubMed 17504850 (cited by Labcorp Genetics (formerly Invitae), Labcorp); PubMed 22863181 (cited by Labcorp Genetics (formerly Invitae), Labcorp); PubMed 25675413 (cited by Labcorp Genetics (formerly Invitae), Labcorp); PubMed 26061163 (cited by Labcorp Genetics (formerly Invitae), Labcorp); PubMed 27365499 (cited by Labcorp Genetics (formerly Invitae), Labcorp); PubMed 29555955 (cited by 3 submitters); PubMed 33546218 (cited by Labcorp Genetics (formerly Invitae), Labcorp); PubMed 31456290 (cited by Institute of Human Genetics, Univ. Regensburg, Univ. Regensburg and Leiden Open Variation Database); PubMed 32531858 (cited by Institute of Human Genetics, Univ. Regensburg, Univ. Regensburg); PubMed 34411390 (cited by Institute of Human Genetics, Univ. Regensburg, Univ. Regensburg); PubMed 32531846 (cited by Leiden Open Variation Database).